The following is an entry in ClinVar:

ClinVar aggregate classification (germline): Uncertain significance. Review status: criteria provided, multiple submitters, no conflicts (2 of 4 stars). 2 submissions from 2 submitters: Uncertain significance (2). Last evaluated 2025-08-25.

Conditions:
Congenital heart defects, multiple types, 2 (CHTD2). Also called: Congenital heart defects, nonsyndromic, 2. Identifiers: Orphanet 664401, MedGen C3554279, MONDO:0014000, OMIM 614980.

gnomAD v4.1: 2 of 1,614,142 alleles (0.00012%); highest among the groups gnomAD compares: African/African-American, 0.0013%; no homozygotes.

Submissions (2):

Daryl Scott Lab, Baylor College of Medicine
Classification: Uncertain significance for Congenital heart defects, multiple types, 2. Last evaluated: 2025-08-25. Review status: criteria provided, single submitter. Criteria: ACMG Guidelines, 2015. Collection method: clinical testing. Allele origin: paternal. Affected: yes. Observed: 1 heterozygote.
Comment: PM2

GeneDx
Classification: Uncertain significance. Last evaluated: 2025-02-06. Review status: criteria provided, single submitter. Criteria: GeneDx Variant Classification Process June 2021. Collection method: clinical testing. Allele origin: germline. Affected: yes.
Comment: Not observed at significant frequency in large population cohorts (gnomAD); In silico analysis indicates that this missense variant does not alter protein structure/function; Has not been previously published as pathogenic or benign to our knowledge

NM_001292034.3(TAB2):c.1192G>A (p.Glu398Lys)

Genes: TAB2 (TGF-beta activated kinase 1 (MAP3K7) binding protein 2; plus strand), LOC126859827 (BRD4-independent group 4 enhancer GRCh37_chr6:149699707-149700906; plus strand). Cytogenetic location: 6q25.1.
Variant type: single nucleotide variant.
Coding change: c.1192G>A on transcript NM_001292034.3 (MANE Select); coding-DNA position 1192, G replaced by A.
Protein change: p.Glu398Lys; replaces glutamic acid 398 with lysine.
Molecular consequence: missense variant.
Genome position (GRCh38, 1-based): chr6:149,379,107, G>A. VCF-style: chr6-149379107-G-A. GRCh37 (hg19) VCF-style: chr6-149700243-G-A.
Other names: c.1096G>A, p.Glu366Lys (NM_001292035.3); c.1192G>A, p.Glu398Lys (NM_001369506.1, NM_015093.6); short protein forms E366K, E398K.
Identifiers: ClinVar variation 4074572 (VCV004074572.2).
Genomic context (GRCh38, chr6:149,379,107, plus strand): 5'-GAGCTGATGTCCCGTAGTCAACCTAAGGTCTATATTTCAGCGAATGCTGCCACAGGAGAT[G>A]AACAGGTCATGCGGAATCAGCCCACACTCTTCATATCCACAAACTCTGGAGCATCTGCTG-3'
Protein context (NP_001278963.1, residues 388-408): YISANAATGD[Glu398Lys]QVMRNQPTLF